The following is an entry in ClinVar:

NM_000051.4(ATM):c.5516dup (p.Thr1840fs)

Gene: ATM (ATM serine/threonine kinase; plus strand). Cytogenetic location: 11q22.3.
Variant type: Duplication.
Coding change: c.5516dup on transcript NM_000051.4 (MANE Select); coding-DNA position 5516, one base duplicated (A; older notation c.5516dupA).
Protein change: p.Thr1840fs; shifts the reading frame from threonine 1840.
Molecular consequence: frameshift variant.
Genome position (GRCh38, 1-based): chr11:108,304,694, A duplicated. VCF-style (leftmost placement, unchanged base first): chr11-108304693-C-CA. GRCh37 (hg19) VCF-style: chr11-108175420-C-CA.
Other names: c.5516dupA (NM_000051.3); c.5516dup, p.Thr1840fs (NM_001351834.2); short protein forms T1840fs.
Identifiers: ClinVar variation 246401 (VCV000246401.5), dbSNP rs879254242, ClinGen allele CA10584351.
Genomic context (GRCh38, chr11:108,304,693, plus strand): 5'-TTTTTACTCAAACTATTGGGTGGATTTGTTTGTATATTCTAGGTGAAAACTGACTTTTGT[C>CA]AGACTGTACTTCCATACTTGATTCATGATATTTTACTCCAAGATACAAATGAATCATGGA-3'

ClinVar aggregate classification (germline): Pathogenic/Likely pathogenic. Review status: criteria provided, multiple submitters, no conflicts (2 of 4 stars). 2 submissions from 2 submitters: Pathogenic (1); Likely pathogenic (1). Last evaluated 2023-12-27.

Conditions:
Ataxia-telangiectasia syndrome (AT). Also called: Cerebello-oculocutaneous telangiectasia; Immunodeficiency with ataxia telangiectasia; Ataxia-telangiectasia; Ataxia telangiectasia (A-T); LOUIS-BAR SYNDROME; Ataxia-telangiectasia, complementation group D. Identifiers: Orphanet 100, MedGen C0004135, MONDO:0008840, OMIM 208900.

Submissions (2):

Labcorp Genetics (formerly Invitae), Labcorp
Classification: Pathogenic for Ataxia-telangiectasia syndrome. Last evaluated: 2023-12-27. Review status: criteria provided, single submitter. Criteria: Invitae Variant Classification Sherloc (09022015). Collection method: clinical testing. Allele origin: germline.
Comment: This sequence change creates a premature translational stop signal (p.Thr1840Aspfs*9) in the ATM gene. It is expected to result in an absent or disrupted protein product. Loss-of-function variants in ATM are known to be pathogenic (PMID: 23807571, 25614872). This variant is not present in population databases (gnomAD no frequency). This variant has not been reported in the literature in individuals affected with ATM-related conditions. ClinVar contains an entry for this variant (Variation ID: 246401). For these reasons, this variant has been classified as Pathogenic.

GeneDx
Classification: Likely pathogenic. Last evaluated: 2016-02-12. Review status: criteria provided, single submitter. Criteria: GeneDx Variant Classification (06012015). Collection method: clinical testing. Allele origin: germline. Affected: yes.
Comment: This duplication of one nucleotide in ATM is denoted c.5516dupA at the cDNA level and p.Thr1840AspfsX9 (T1840DfsX9) at the protein level. The normal sequence, with the base that is duplicated in braces, is TGTC[A]GACT. The duplication causes a frameshift which changes a Threonine to an Aspartic Acid at codon 1840, and creates a premature stop codon at position 9 of the new reading frame. Although this variant has not, to our knowledge, been reported in the literature, it is predicted to cause loss of normal protein function through either protein truncation or nonsense-mediated mRNA decay. Based on the currently available information, we consider this duplication to be a likely pathogenic variant.

Literature cited by the submitters: PubMed 23807571 (cited by Labcorp Genetics (formerly Invitae), Labcorp); PubMed 25614872 (cited by Labcorp Genetics (formerly Invitae), Labcorp).